The following is an entry in ClinVar:

ClinVar aggregate classification (germline): Uncertain significance. Review status: criteria provided, multiple submitters, no conflicts (2 of 4 stars). 2 submissions from 2 submitters: Uncertain significance (2). Last evaluated 2018-01-13.

Conditions:
Inborn genetic diseases. Identifiers: MedGen C0950123, MeSH D030342.
Seizures, benign familial infantile, 3 (BFIS3). Also called: Familial neonatal seizures; CONVULSIONS, BENIGN FAMILIAL INFANTILE, 3. Identifiers: Orphanet 140927, Orphanet 306, MedGen C1843140, MONDO:0011904, OMIM 607745.

Allele frequency attached by ClinVar (database versions not stated): gnomAD exomes below 0.00001.
gnomAD v4.1: 1 of 1,614,198 alleles (0.000062%); highest among the groups gnomAD compares: Non-Finnish European, 0.000085%; no homozygotes.

Submissions (2):

Illumina Laboratory Services, Illumina
Classification: Uncertain significance for Seizures, benign familial infantile, 3. Last evaluated: 2018-01-13. Review status: criteria provided, single submitter. Criteria: ICSL Variant Classification Criteria 13 December 2019. Collection method: clinical testing. Allele origin: germline.

Ambry Genetics
Classification: Uncertain significance for Inborn genetic diseases. Last evaluated: 2014-05-05. Review status: criteria provided, single submitter. Criteria: Ambry Autosomal Dominant and X-Linked criteria (10/2015). Collection method: clinical testing. Allele origin: germline. Observed: 1 variant allele.
Comment: Ã¢â‚¬â€¹This change is well conserved in SCN2A during evolution but is not conserved inhuman calcium channel ÃŽÂ± subunits; it is located intransmembrane segment 1 of domain III (PMC2754324figure/f2-6990/).

NM_001040142.2(SCN2A):c.3637T>G (p.Phe1213Val)

Gene: SCN2A (sodium voltage-gated channel alpha subunit 2; plus strand). Cytogenetic location: 2q24.3.
Variant type: single nucleotide variant.
Coding change: c.3637T>G on transcript NM_001040142.2 (MANE Select); coding-DNA position 3637, T replaced by G.
Protein change: p.Phe1213Val; replaces phenylalanine 1213 with valine.
Molecular consequence: missense variant.
Genome position (GRCh38, 1-based): chr2:165,367,333, T>G. VCF-style: chr2-165367333-T-G. GRCh37 (hg19) VCF-style: chr2-166223843-T-G.
Other names: c.3637T>G, p.Phe1213Val (NM_001040143.2, NM_001371246.1, NM_001371247.1 and 1 more transcripts); short protein forms F1213V.
Identifiers: ClinVar variation 208771 (VCV000208771.8), dbSNP rs797044946, ClinGen allele CA204867.